The following is an entry in ClinVar:

ClinVar aggregate classification (germline): Uncertain significance. Review status: criteria provided, multiple submitters, no conflicts (2 of 4 stars). 2 submissions from 2 submitters: Uncertain significance (2). Last evaluated 2024-11-18.

Conditions:
Cardiovascular phenotype. Identifiers: MedGen CN230736.
Hypertrophic cardiomyopathy 14. Identifiers: MedGen C2750467, MONDO:0013197, OMIM 613251.

Allele frequency attached by ClinVar (database versions not stated): gnomAD 0.00001; TOPMed 0.00001.
gnomAD v4.1: 1 of 1,610,880 alleles (0.000062%); highest among the groups gnomAD compares: African/African-American, 0.0013%; no homozygotes.

Submissions (2):

Ambry Genetics
Classification: Uncertain significance for Cardiovascular phenotype. Last evaluated: 2024-11-18. Review status: criteria provided, single submitter. Criteria: Ambry Variant Classification Scheme 2023. Collection method: clinical testing. Allele origin: germline.
Comment: The p.T1129A variant (also known as c.3385A>G), located in coding exon 24 of the MYH6 gene, results from an A to G substitution at nucleotide position 3385. The threonine at codon 1129 is replaced by alanine, an amino acid with similar properties. This amino acid position is conserved. In addition, this alteration is predicted to be tolerated by in silico analysis. Based on the available evidence, the clinical significance of this variant remains unclear.

Labcorp Genetics (formerly Invitae), Labcorp
Classification: Uncertain significance for Hypertrophic cardiomyopathy 14. Last evaluated: 2020-08-27. Review status: criteria provided, single submitter. Criteria: Invitae Variant Classification Sherloc (09022015). Collection method: clinical testing. Allele origin: germline.
Comment: This sequence change replaces threonine with alanine at codon 1129 of the MYH6 protein (p.Thr1129Ala). The threonine residue is weakly conserved and there is a small physicochemical difference between threonine and alanine. This variant is not present in population databases (ExAC no frequency). This variant has not been reported in the literature in individuals with MYH6-related conditions. Algorithms developed to predict the effect of missense changes on protein structure and function are either unavailable or do not agree on the potential impact of this missense change (SIFT: "Deleterious"; PolyPhen-2: "Benign"; Align-GVGD: "Class C0"). In summary, the available evidence is currently insufficient to determine the role of this variant in disease. Therefore, it has been classified as a Variant of Uncertain Significance.

NM_002471.4(MYH6):c.3385A>G (p.Thr1129Ala)

Gene: MYH6 (myosin heavy chain 6; minus strand). Cytogenetic location: 14q11.2.
Variant type: single nucleotide variant.
Coding change: c.3385A>G on transcript NM_002471.4 (MANE Select); coding-DNA position 3385, A replaced by G.
Protein change: p.Thr1129Ala; replaces threonine 1129 with alanine.
Molecular consequence: missense variant.
Genome position (GRCh38, 1-based): chr14:23,390,404, T>C on the plus strand (A>G on the coding strand, the complement: MYH6 is on the minus strand). VCF-style: chr14-23390404-T-C. GRCh37 (hg19) VCF-style: chr14-23859613-T-C.
Other names: c.3385A>G (NM_002471.3); short protein forms T1129A.
Identifiers: ClinVar variation 1036338 (VCV001036338.9), dbSNP rs1398805546, ClinGen allele CA389006603.